The following is an entry in ClinVar:

NM_198576.4(AGRN):c.3685G>C (p.Val1229Leu)

Gene: AGRN (agrin; plus strand). Cytogenetic location: 1p36.33.
Variant type: single nucleotide variant.
Coding change: c.3685G>C on transcript NM_198576.4 (MANE Select); coding-DNA position 3685, G replaced by C.
Protein change: p.Val1229Leu; replaces valine 1229 with leucine.
Molecular consequence: missense variant.
Genome position (GRCh38, 1-based): chr1:1,047,829, G>C. VCF-style: chr1-1047829-G-C. GRCh37 (hg19) VCF-style: chr1-983209-G-C.
Other names: c.3685G>C, p.Val1229Leu (NM_001305275.2); c.3370G>C, p.Val1124Leu (NM_001364727.2); short protein forms V1229L, V1124L.
Identifiers: ClinVar variation 1489870 (VCV001489870.5), dbSNP rs528146665, ClinGen allele CA509187.
Genomic context (GRCh38, chr1:1,047,829, plus strand): 5'-TCCCCAGCCACAGCCTTCAGGGCACCCGACGTGGCCCGGGCCCTGCTCCGGCAGATCCAG[G>C]TGTCCAGGCGCCGGTCCTTGGGGGTGAGGCGGCCGCTGCAGGAGCACGTGCGATTTATGG-3'
Protein context (NP_940978.2, residues 1219-1239): VARALLRQIQ[Val1229Leu]SRRRSLGVRR

ClinVar aggregate classification (germline): Uncertain significance (1 of 4 stars; one submission).

Conditions:
Congenital myasthenic syndrome 8. Also called: MYASTHENIC SYNDROME, CONGENITAL, DUE TO AGRIN DEFICIENCY; Myasthenic syndrome, congenital, 8, with pre- and postsynaptic defects. Identifiers: Orphanet 590, MedGen C3808739, MONDO:0014052, OMIM 615120.

Allele frequency attached by ClinVar (database versions not stated): TOPMed below 0.00001; gnomAD 0.00004; gnomAD exomes 0.00007; ExAC 0.00012; 1000 Genomes Project 0.00040; 1000 Genomes Project 30x 0.00047.
gnomAD v4.1: 66 of 1,604,350 alleles (0.0041%); highest among the groups gnomAD compares: South Asian, 0.072%; no homozygotes.

Submission:

Labcorp Genetics (formerly Invitae), Labcorp
Classification: Uncertain significance for Congenital myasthenic syndrome 8. Last evaluated: 2022-06-27. Review status: criteria provided, single submitter. Criteria: Invitae Variant Classification Sherloc (09022015). Collection method: clinical testing. Allele origin: germline.
Comment: This sequence change replaces valine, which is neutral and non-polar, with leucine, which is neutral and non-polar, at codon 1229 of the AGRN protein (p.Val1229Leu). This variant is present in population databases (rs528146665, gnomAD 0.05%). This variant has not been reported in the literature in individuals affected with AGRN-related conditions. Algorithms developed to predict the effect of missense changes on protein structure and function (SIFT, PolyPhen-2, Align-GVGD) all suggest that this variant is likely to be tolerated. In summary, the available evidence is currently insufficient to determine the role of this variant in disease. Therefore, it has been classified as a Variant of Uncertain Significance.